The following is an entry in ClinVar:

ClinVar aggregate classification (germline): Uncertain significance (1 of 4 stars; one submission).

gnomAD v4.1: 1 of 1,614,060 alleles (0.000062%); highest among the groups gnomAD compares: Non-Finnish European, 0.000085%; no homozygotes.

Submission:

GeneDx
Classification: Uncertain significance. Last evaluated: 2025-07-01. Review status: criteria provided, single submitter. Criteria: GeneDx Variant Classification Process June 2021. Collection method: clinical testing. Allele origin: germline. Affected: yes.
Comment: Not observed at significant frequency in large population cohorts (gnomAD); In silico analysis supports that this missense variant has a deleterious effect on protein structure/function; Has not been previously published as pathogenic or benign to our knowledge

NM_006922.4(SCN3A):c.1637T>G (p.Leu546Arg)

Gene: SCN3A (sodium voltage-gated channel alpha subunit 3; minus strand). Cytogenetic location: 2q24.3.
Variant type: single nucleotide variant.
Coding change: c.1637T>G on transcript NM_006922.4 (MANE Select); coding-DNA position 1637, T replaced by G.
Protein change: p.Leu546Arg; replaces leucine 546 with arginine.
Molecular consequence: missense variant.
Genome position (GRCh38, 1-based): chr2:165,146,773, A>C on the plus strand (T>G on the coding strand, the complement: SCN3A is on the minus strand). VCF-style: chr2-165146773-A-C. GRCh37 (hg19) VCF-style: chr2-166003283-A-C.
Other names: c.1637T>G, p.Leu546Arg (NM_001081676.2, NM_001081677.2); short protein forms L546R.
Identifiers: ClinVar variation 1708887 (VCV001708887.3), dbSNP rs2468361383, ClinGen allele CA349236307.